The following is an entry in ClinVar:

NM_004168.4(SDHA):c.782G>A (p.Arg261His)

Gene: SDHA (succinate dehydrogenase complex flavoprotein subunit A; plus strand). Cytogenetic location: 5p15.33.
Variant type: single nucleotide variant.
Coding change: c.782G>A on transcript NM_004168.4 (MANE Select); coding-DNA position 782, G replaced by A.
Protein change: p.Arg261His; replaces arginine 261 with histidine.
Molecular consequence: missense variant.
Genome position (GRCh38, 1-based): chr5:230,887, G>A. VCF-style: chr5-230887-G-A. GRCh37 (hg19) VCF-style: chr5-231002-G-A.
Other names: c.638G>A, p.Arg213His (NM_001294332.2); c.782G>A, p.Arg261His (NM_001330758.2); short protein forms R213H, R261H.
Identifiers: ClinVar variation 1056907 (VCV001056907.13), dbSNP rs769228279, ClinGen allele CA3172996.
Genomic context (GRCh38, chr5:230,887, plus strand): 5'-GTCCAGATGTGGGCCGCTGTGTGCAGTCACTGCTCTCTATTGTTTCCAGAGGCTACGGGC[G>A]CACCTACTTCAGCTGCACGTCTGCCCACACCAGCACTGGCGACGGCACGGCCATGATCAC-3'
Protein context (NP_004159.2, residues 251-271): NTVVATGGYG[Arg261His]TYFSCTSAHT

ClinVar aggregate classification (germline): Uncertain significance. Review status: criteria provided, multiple submitters, no conflicts (2 of 4 stars). 2 submissions from 2 submitters: Uncertain significance (2). Last evaluated 2025-04-13.

Conditions:
Mitochondrial complex II deficiency, nuclear type 1. Also called: SUCCINATE CoQ REDUCTASE DEFICIENCY. Identifiers: Orphanet 3208, MedGen C5700310, MONDO:0100294, OMIM 252011.
Pheochromocytoma/paraganglioma syndrome 5. Also called: Paragangliomas 5; SDHA-Related Hereditary Paraganglioma-Pheochromocytoma Syndrome. Identifiers: Orphanet 29072, MedGen C3279992, MONDO:0013602, OMIM 614165.
Hereditary cancer-predisposing syndrome. Also called: Tumor predisposition; Hereditary neoplastic syndrome; Neoplastic Syndromes, Hereditary; Hereditary Cancer Syndrome. Identifiers: Orphanet 140162, MedGen C0027672, MeSH D009386, MONDO:0015356.

Allele frequency attached by ClinVar (database versions not stated): gnomAD exomes below 0.00001 and 0.00001; ExAC 0.00001.
gnomAD v4.1: 4 of 1,613,968 alleles (0.00025%); highest among the groups gnomAD compares: South Asian, 0.0011%; no homozygotes.

Submissions (2):

Ambry Genetics
Classification: Uncertain significance for Hereditary cancer-predisposing syndrome. Last evaluated: 2025-04-13. Review status: criteria provided, single submitter. Criteria: Ambry Variant Classification Scheme 2023. Collection method: clinical testing. Allele origin: germline.
Comment: The p.R261H variant (also known as c.782G>A), located in coding exon 7 of the SDHA gene, results from a G to A substitution at nucleotide position 782. The arginine at codon 261 is replaced by histidine, an amino acid with highly similar properties. This amino acid position is highly conserved in available vertebrate species. In addition, the in silico prediction for this alteration is inconclusive. Since supporting evidence is limited at this time, the clinical significance of this alteration remains unclear.

Labcorp Genetics (formerly Invitae), Labcorp
Classification: Uncertain significance for Pheochromocytoma/paraganglioma syndrome 5; Mitochondrial complex II deficiency, nuclear type 1. Last evaluated: 2024-12-31. Review status: criteria provided, single submitter. Criteria: Invitae Variant Classification Sherloc (09022015). Collection method: clinical testing. Allele origin: germline.
Comment: This sequence change replaces arginine, which is basic and polar, with histidine, which is basic and polar, at codon 261 of the SDHA protein (p.Arg261His). This variant is present in population databases (rs769228279, gnomAD 0.003%). This variant has not been reported in the literature in individuals affected with SDHA-related conditions. ClinVar contains an entry for this variant (Variation ID: 1056907). Invitae Evidence Modeling of protein sequence and biophysical properties (such as structural, functional, and spatial information, amino acid conservation, physicochemical variation, residue mobility, and thermodynamic stability) has been performed for this missense variant. However, the output from this modeling did not meet the statistical confidence thresholds required to predict the impact of this variant on SDHA protein function. In summary, the available evidence is currently insufficient to determine the role of this variant in disease. Therefore, it has been classified as a Variant of Uncertain Significance.